The following is an entry in ClinVar:

ClinVar aggregate classification (germline): Conflicting classifications of pathogenicity. Review status: criteria provided, conflicting classifications (1 of 4 stars). 9 submissions from 9 submitters: Uncertain significance (8); Likely benign (1). Last evaluated 2026-02-27.

Conditions:
Familial thoracic aortic aneurysm and aortic dissection (TAAD). Also called: Thoracic aortic aneurysms and dissections. Identifiers: Orphanet 91387, MedGen C4707243, MONDO:0019625.
Marfan syndrome (MFS). Also called: FBN1-Related Marfan Syndrome; Marfan syndrome type 1; Marfan's syndrome; Marfan syndrome, classic; MARFAN SYNDROME, TYPE I. Identifiers: Orphanet 284963, Orphanet 558, MedGen C0024796, MONDO:0007947, OMIM 154700.

Allele frequency attached by ClinVar (database versions not stated): gnomAD 0.00004; ExAC 0.00004; TOPMed 0.00001; gnomAD exomes 0.00004.
gnomAD v4.1: 34 of 1,614,008 alleles (0.0021%); highest among the groups gnomAD compares: South Asian, 0.015%; no homozygotes.

Submissions (9):

Ambry Genetics
Classification: Uncertain significance for Familial thoracic aortic aneurysm and aortic dissection. Last evaluated: 2026-02-27. Review status: criteria provided, single submitter. Criteria: Ambry Variant Classification Scheme 2023. Collection method: clinical testing. Allele origin: germline.
Comment: The p.G363S variant (also known as c.1087G>A), located in coding exon 9 of the FBN1 gene, results from a G to A substitution at nucleotide position 1087. The glycine at codon 363 is replaced by serine, an amino acid with similar properties. This amino acid position is highly conserved in available vertebrate species. In addition, this alteration is predicted to be deleterious by in silico analysis. Based on the available evidence, the clinical significance of this variant remains unclear.

Labcorp Genetics (formerly Invitae), Labcorp
Classification: Uncertain significance for Marfan syndrome; Familial thoracic aortic aneurysm and aortic dissection. Last evaluated: 2024-09-17. Review status: criteria provided, single submitter. Criteria: Invitae Variant Classification Sherloc (09022015). Collection method: clinical testing. Allele origin: germline.
Comment: This sequence change replaces glycine, which is neutral and non-polar, with serine, which is neutral and polar, at codon 363 of the FBN1 protein (p.Gly363Ser). This variant is present in population databases (rs363855, gnomAD 0.02%). This variant has not been reported in the literature in individuals affected with FBN1-related conditions. ClinVar contains an entry for this variant (Variation ID: 576755). Invitae Evidence Modeling of protein sequence and biophysical properties (such as structural, functional, and spatial information, amino acid conservation, physicochemical variation, residue mobility, and thermodynamic stability) indicates that this missense variant is expected to disrupt FBN1 protein function with a positive predictive value of 95%. In summary, the available evidence is currently insufficient to determine the role of this variant in disease. Therefore, it has been classified as a Variant of Uncertain Significance.

All of Us Research Program, National Institutes of Health
Classification: Uncertain significance for Marfan syndrome. Last evaluated: 2023-10-06. Review status: criteria provided, single submitter. Criteria: ACMG Guidelines, 2015. Collection method: clinical testing. Allele origin: germline. Inheritance: Autosomal dominant inheritance. Observed: 3 variant alleles, 3 heterozygotes.
Comment: This missense variant replaces glycine with serine at codon 363 of the FBN1 protein. Computational prediction tool suggests that this variant may have deleterious impact on protein structure and function (internally defined REVEL score threshold >=0.7, PMID: 27666373). To our knowledge, functional studies have not been performed for this variant. This variant has not been reported in individuals affected with cardiovascular disorders in the literature. This variant has been identified in 11/282662 chromosomes in the general population by the Genome Aggregation Database (gnomAD). The available evidence is insufficient to determine the role of this variant in disease conclusively. Therefore, this variant is classified as a Variant of Uncertain Significance.

This study involves interpretation of variants in research participants for the purpose of population health screening. Participant phenotype was not available at the time of variant classification. Additional details can be found in publication PMID: 35346344, PMCID: PMC8962531

Color Diagnostics, LLC DBA Color Health
Classification: Uncertain significance for Familial thoracic aortic aneurysm and aortic dissection. Last evaluated: 2023-09-21. Review status: criteria provided, single submitter. Criteria: ACMG Guidelines, 2015. Collection method: clinical testing. Allele origin: germline.
Comment: This missense variant replaces glycine with serine at codon 363 of the FBN1 protein. Computational prediction suggests that this variant may have deleterious impact on protein structure and function (internally defined REVEL score threshold >= 0.7, PMID: 27666373). To our knowledge, functional studies have not been reported for this variant. This variant has not been reported in individuals affected with FBN1-related disorders in the literature. This variant has been identified in 11/282662 chromosomes in the general population by the Genome Aggregation Database (gnomAD). The available evidence is insufficient to determine the role of this variant in disease conclusively. Therefore, this variant is classified as a Variant of Uncertain Significance.

GeneDx
Classification: Uncertain significance. Last evaluated: 2023-08-16. Review status: criteria provided, single submitter. Criteria: GeneDx Variant Classification Process June 2021. Collection method: clinical testing. Allele origin: germline. Affected: yes.
Comment: Has not been previously published as pathogenic or benign to our knowledge; In silico analysis supports that this missense variant has a deleterious effect on protein structure/function; Does not affect a cysteine residue within a calcium-binding EGF-like domain or a TGF-binding protein domain of the FBN1 gene; cysteine substitutions in the calcium-binding EGF-like domains represent the majority of pathogenic missense changes associated with FBN1-related disorders (Collod-Beroud et al., 2003) Collod-Beroud G et al. (2003) Hum Mutat 22 (3):199-208 (PMID: 12938084); This variant is associated with the following publications: (PMID: 19370756)

CHEO Genetics Diagnostic Laboratory, Children's Hospital of Eastern Ontario
Classification: Uncertain significance for Familial thoracic aortic aneurysm and aortic dissection. Last evaluated: 2021-11-10. Review status: criteria provided, single submitter. Criteria: ACMG Guidelines, 2015. Collection method: clinical testing. Allele origin: germline.

Blueprint Genetics
Classification: Likely benign. Last evaluated: 2019-12-16. Review status: criteria provided, single submitter. Criteria: ACMG Guidelines, 2015. Collection method: clinical testing. Allele origin: germline.

Mayo Clinic Laboratories, Mayo Clinic
Classification: Uncertain significance. Last evaluated: 2019-06-17. Review status: criteria provided, single submitter. Criteria: ACMG Guidelines, 2015. Collection method: clinical testing. Allele origin: germline. Observed: 1 variant allele.

Human Genome Sequencing Center Clinical Lab, Baylor College of Medicine
Classification: Uncertain significance for Marfan syndrome. Review status: criteria provided, single submitter. Criteria: ACMG Guidelines, 2015. Collection method: clinical testing. Allele origin: germline.

NM_000138.5(FBN1):c.1087G>A (p.Gly363Ser)

Genes: FBN1 (fibrillin 1; minus strand), LOC113939944 (Sharpr-MPRA regulatory region 9539; plus strand). Cytogenetic location: 15q21.1.
Variant type: single nucleotide variant.
Coding change: c.1087G>A on transcript NM_000138.5 (MANE Select); coding-DNA position 1087, G replaced by A.
Protein change: p.Gly363Ser; replaces glycine 363 with serine.
Molecular consequence: missense variant.
Genome position (GRCh38, 1-based): chr15:48,520,719, C>T on the plus strand (G>A on the coding strand, the complement: FBN1 is on the minus strand). VCF-style: chr15-48520719-C-T. GRCh37 (hg19) VCF-style: chr15-48812916-C-T.
Other names: short protein forms G363S.
Identifiers: ClinVar variation 576755 (VCV000576755.22), dbSNP rs363855, ClinGen allele CA043483.